The following is an entry in ClinVar:

NR_109851.1(LINC-PINT):n.1409G>T

Gene: LINC-PINT (long intergenic non-protein coding RNA, p53 induced transcript; minus strand). Cytogenetic location: 7q32.3.
Variant type: single nucleotide variant.
Molecular consequence: non-coding transcript variant (on NR_015431.2).
Genome position: GRCh38 VCF-style: chr7-130984096-C-A. GRCh37 (hg19) VCF-style: chr7-130668855-C-A.
Identifiers: ClinVar variation 3036139 (VCV003036139.2), dbSNP rs190124113, ClinGen allele CA167042680.
Genomic context (GRCh38, chr7:130,984,096, plus strand): 5'-CTACTAATCTCAGTTACCTGTTCAGTGGTTTATTCTGCTTCACTAAAAGTATCTCCGTTT[C>A]TTCCATTTTCCTCCTGCAAAATAGGAGGAGAATATCGTTAGTGAGTAGGTACAAATGCAC-3'

ClinVar aggregate classification (germline): Likely benign (0 of 4 stars; one submission).

Conditions:
LINC-PINT-related disorder. Also called: LINC-PINT-related condition.

Allele frequency attached by ClinVar (database versions not stated): gnomAD 0.00069; TOPMed 0.00103; 1000 Genomes Project 0.00120; 1000 Genomes Project 30x 0.00125.

Submission:

PreventionGenetics, part of Exact Sciences
Classification: Likely benign for LINC-PINT-related condition. Last evaluated: 2022-08-02. Review status: no assertion criteria provided. Collection method: clinical testing. Allele origin: germline.
Comment: This variant is classified as likely benign based on ACMG/AMP sequence variant interpretation guidelines (Richards et al. 2015 PMID: 25741868, with internal and published modifications).